The following is an entry in ClinVar:

ClinVar aggregate classification (germline): Benign/Likely benign. Review status: criteria provided, multiple submitters, no conflicts (2 of 4 stars). 4 submissions from 4 submitters: Benign (1); Likely benign (3). Last evaluated 2024-04-05.

Conditions:
Hereditary cancer-predisposing syndrome. Also called: Neoplastic Syndromes, Hereditary; Tumor predisposition; Hereditary Cancer Syndrome; Hereditary neoplastic syndrome. Identifiers: Orphanet 140162, MedGen C0027672, MeSH D009386, MONDO:0015356.
Familial adenomatous polyposis 1 (FAP1). Also called: FAMILIAL ADENOMATOUS POLYPOSIS 1, ATTENUATED; POLYPOSIS, ADENOMATOUS INTESTINAL. Identifiers: MedGen C2713442, MONDO:0021056, OMIM 175100. Disease mechanism: loss of function.

Allele frequency attached by ClinVar (database versions not stated): gnomAD exomes below 0.00001 and 0.00001; ExAC 0.00001.
gnomAD v4.1: 2 of 1,614,042 alleles (0.00012%); highest among the groups gnomAD compares: Non-Finnish European, 0.00017%; no homozygotes.

Submissions (4):

Myriad Genetics, Inc.
Classification: Benign for Familial adenomatous polyposis 1. Last evaluated: 2024-04-05. Review status: criteria provided, single submitter. Criteria: Myriad Autosomal Dominant, Autosomal Recessive and X-Linked Classification Criteria (2023). Collection method: clinical testing. Allele origin: unknown.
Comment: This variant is considered benign. This variant is a silent/synonymous amino acid change and it is not expected to impact splicing.

Labcorp Genetics (formerly Invitae), Labcorp
Classification: Likely benign for Familial adenomatous polyposis 1. Last evaluated: 2023-06-05. Review status: criteria provided, single submitter. Criteria: Invitae Variant Classification Sherloc (09022015). Collection method: clinical testing. Allele origin: germline.

Ambry Genetics
Classification: Likely benign for Hereditary cancer-predisposing syndrome. Last evaluated: 2021-08-13. Review status: criteria provided, single submitter. Criteria: Ambry Variant Classification Scheme 2023. Collection method: clinical testing. Allele origin: germline.

Color Diagnostics, LLC DBA Color Health
Classification: Likely benign for Hereditary cancer-predisposing syndrome. Last evaluated: 2019-04-22. Review status: criteria provided, single submitter. Criteria: ACMG Guidelines, 2015. Collection method: clinical testing. Allele origin: germline.

NM_000038.6(APC):c.6846A>G (p.Leu2282=)

Gene: APC (APC regulator of Wnt signaling pathway; plus strand). Cytogenetic location: 5q22.2.
Variant type: single nucleotide variant.
Coding change: c.6846A>G on transcript NM_000038.6 (MANE Select); coding-DNA position 6846, A replaced by G.
Protein change: p.Leu2282=; no amino-acid change (leucine 2282 retained).
Molecular consequence: synonymous variant.
Genome position (GRCh38, 1-based): chr5:112,842,440, A>G. VCF-style: chr5-112842440-A-G. GRCh37 (hg19) VCF-style: chr5-112178137-A-G.
Other names: c.6846A>G, p.Leu2282= (NM_001127510.3, NM_001354895.2); c.6792A>G, p.Leu2264= (NM_001127511.3); c.6900A>G, p.Leu2300= (NM_001354896.2); c.6876A>G, p.Leu2292= (NM_001354897.2); c.6771A>G, p.Leu2257= (NM_001354898.2); c.6762A>G, p.Leu2254= (NM_001354899.2); c.6723A>G, p.Leu2241= (NM_001354900.2); c.6669A>G, p.Leu2223= (NM_001354901.2); and 5 more.
Identifiers: ClinVar variation 924858 (VCV000924858.8), dbSNP rs747470110, ClinGen allele CA046264.